The following is an entry in ClinVar:

NM_000391.4(TPP1):c.193G>A (p.Val65Met)

Gene: TPP1 (tripeptidyl peptidase 1; minus strand). Cytogenetic location: 11p15.4.
Variant type: single nucleotide variant.
Coding change: c.193G>A on transcript NM_000391.4 (MANE Select); coding-DNA position 193, G replaced by A.
Protein change: p.Val65Met; replaces valine 65 with methionine.
Molecular consequence: missense variant.
Genome position (GRCh38, 1-based): chr11:6,618,812, C>T on the plus strand (G>A on the coding strand, the complement: TPP1 is on the minus strand). VCF-style: chr11-6618812-C-T. GRCh37 (hg19) VCF-style: chr11-6640043-C-T.
Other names: c.193G>A (NM_000391.3); short protein forms V65M.
Identifiers: ClinVar variation 2147208 (VCV002147208.3), dbSNP rs1375613413, ClinGen allele CA379476705.

ClinVar aggregate classification (germline): Uncertain significance. Review status: criteria provided, multiple submitters, no conflicts (2 of 4 stars). 3 submissions from 3 submitters: Uncertain significance (3). Last evaluated 2022-10-13.

Conditions:
Inborn genetic diseases. Identifiers: MedGen C0950123, MeSH D030342.

Allele frequency attached by ClinVar (database versions not stated): gnomAD exomes below 0.00001.
gnomAD v4.1: 4 of 1,614,082 alleles (0.00025%); highest among the groups gnomAD compares: Non-Finnish European, 0.00025%; no homozygotes.

Submissions (3):

Labcorp Genetics (formerly Invitae), Labcorp
Classification: Uncertain significance. Last evaluated: 2022-10-13. Review status: criteria provided, single submitter. Criteria: Invitae Variant Classification Sherloc (09022015). Collection method: clinical testing. Allele origin: germline.
Comment: This sequence change replaces valine, which is neutral and non-polar, with methionine, which is neutral and non-polar, at codon 65 of the TPP1 protein (p.Val65Met). This variant is present in population databases (no rsID available, gnomAD 0.0009%). This variant has not been reported in the literature in individuals affected with TPP1-related conditions. Advanced modeling of protein sequence and biophysical properties (such as structural, functional, and spatial information, amino acid conservation, physicochemical variation, residue mobility, and thermodynamic stability) has been performed at Invitae for this missense variant, however the output from this modeling did not meet the statistical confidence thresholds required to predict the impact of this variant on TPP1 protein function. In summary, the available evidence is currently insufficient to determine the role of this variant in disease. Therefore, it has been classified as a Variant of Uncertain Significance.

Ambry Genetics
Classification: Uncertain significance for Inborn genetic diseases. Last evaluated: 2022-06-13. Review status: criteria provided, single submitter. Criteria: Ambry Variant Classification Scheme 2023. Collection method: clinical testing. Allele origin: germline.

Blueprint Genetics
Classification: Uncertain significance. Last evaluated: 2022-06-07. Review status: criteria provided, single submitter. Criteria: ACMG Guidelines, 2015. Collection method: clinical testing. Allele origin: germline.